The following is an entry in ClinVar:

NM_033004.4(NLRP1):c.4328G>A (p.Gly1443Glu)

Gene: NLRP1 (NLR family pyrin domain containing 1; minus strand). Cytogenetic location: 17p13.2.
Variant type: single nucleotide variant.
Coding change: c.4328G>A on transcript NM_033004.4 (MANE Select); coding-DNA position 4328, G replaced by A.
Protein change: p.Gly1443Glu; replaces glycine 1443 with glutamic acid.
Molecular consequence: missense variant. On other transcripts: intron variant (1).
Genome position (GRCh38, 1-based): chr17:5,514,848, C>T on the plus strand (G>A on the coding strand, the complement: NLRP1 is on the minus strand). VCF-style: chr17-5514848-C-T. GRCh37 (hg19) VCF-style: chr17-5418168-C-T.
Other names: c.4196G>A, p.Gly1399Glu (NM_014922.5); c.4238G>A, p.Gly1413Glu (NM_033006.4); c.4106G>A, p.Gly1369Glu (NM_033007.4); c.4069+2898G>A (NM_001033053.3); short protein forms G1369E, G1399E, G1413E, G1443E.
Identifiers: ClinVar variation 3769291 (VCV003769291.2).

ClinVar aggregate classification (germline): Uncertain significance (1 of 4 stars; one submission).

Submission:

Women's Health and Genetics/Laboratory Corporation of America, LabCorp
Classification: Uncertain significance. Last evaluated: 2025-01-03. Review status: criteria provided, single submitter. Criteria: LabCorp Variant Classification Summary - May 2015. Collection method: clinical testing. Allele origin: germline.
Comment: Variant summary: NLRP1 c.4328G>A (p.Gly1443Glu) results in a non-conservative amino acid change located in the CARD domain (IPR001315) of the encoded protein sequence. Four of five in-silico tools predict a benign effect of the variant on protein function. The variant was absent in 249552 control chromosomes. The available data on variant occurrences in the general population are insufficient to allow any conclusion about variant significance. To our knowledge, no occurrence of c.4328G>A in individuals affected with Autoinflammation With Arthritis And Dyskeratosis-AD and no experimental evidence demonstrating its impact on protein function have been reported. No submitters have cited clinical-significance assessments for this variant to ClinVar. Based on the evidence outlined above, the variant was classified as uncertain significance.